The following is an entry in ClinVar:

NM_173651.4(FSIP2):c.11399G>A (p.Gly3800Glu)

Gene: FSIP2 (fibrous sheath interacting protein 2; plus strand). Cytogenetic location: 2q32.1.
Variant type: single nucleotide variant.
Coding change: c.11399G>A on transcript NM_173651.4 (MANE Select); coding-DNA position 11399, G replaced by A.
Protein change: p.Gly3800Glu; replaces glycine 3800 with glutamic acid.
Molecular consequence: missense variant.
Genome position (GRCh38, 1-based): chr2:185,800,705, G>A. VCF-style: chr2-185800705-G-A. GRCh37 (hg19) VCF-style: chr2-186665432-G-A.
Other names: short protein forms G3800E.
Identifiers: ClinVar variation 3060270 (VCV003060270.2), dbSNP rs36004074, ClinGen allele CA2016951.

ClinVar aggregate classification (germline): Benign (0 of 4 stars; one submission).

Conditions:
FSIP2-related disorder. Also called: FSIP2-related condition.

Allele frequency attached by ClinVar (database versions not stated): TOPMed 0.53203; 1000 Genomes Project 30x 0.53919; 1000 Genomes Project 0.54054; gnomAD exomes 0.54221; gnomAD 0.54463; ExAC 0.58436.
gnomAD v4.1: 831,389 of 1,533,022 alleles (54%); highest among the groups gnomAD compares: South Asian, 64%; 226,949 homozygotes.

Submission:

PreventionGenetics, part of Exact Sciences
Classification: Benign for FSIP2-related condition. Last evaluated: 2019-10-17. Review status: no assertion criteria provided. Collection method: clinical testing. Allele origin: germline.
Comment: This variant is classified as benign based on ACMG/AMP sequence variant interpretation guidelines (Richards et al. 2015 PMID: 25741868, with internal and published modifications).